The following is an entry in ClinVar:

ClinVar aggregate classification (germline): Uncertain significance. Review status: criteria provided, multiple submitters, no conflicts (2 of 4 stars). 2 submissions from 2 submitters: Uncertain significance (2). Last evaluated 2025-04-25.

Conditions:
Nephronophthisis. Also called: Juvenile Nephronophthisis. Identifiers: Orphanet 655, MedGen C0687120, MONDO:0019005, HP:0000090.
Inborn genetic diseases. Identifiers: MedGen C0950123, MeSH D030342.

Allele frequency attached by ClinVar (database versions not stated): gnomAD exomes 0.00001.
gnomAD v4.1: 12 of 1,613,908 alleles (0.00074%); highest among the groups gnomAD compares: Non-Finnish European, 0.001%; no homozygotes.

Submissions (2):

Ambry Genetics
Classification: Uncertain significance for Inborn genetic diseases. Last evaluated: 2025-04-25. Review status: criteria provided, single submitter. Criteria: Ambry Variant Classification Scheme 2023. Collection method: clinical testing. Allele origin: germline.

Labcorp Genetics (formerly Invitae), Labcorp
Classification: Uncertain significance for Nephronophthisis. Last evaluated: 2022-01-24. Review status: criteria provided, single submitter. Criteria: Invitae Variant Classification Sherloc (09022015). Collection method: clinical testing. Allele origin: germline.
Comment: This sequence change replaces alanine, which is neutral and non-polar, with proline, which is neutral and non-polar, at codon 592 of the INVS protein (p.Ala592Pro). This variant is not present in population databases (gnomAD no frequency). This variant has not been reported in the literature in individuals affected with INVS-related conditions. Algorithms developed to predict the effect of missense changes on protein structure and function (SIFT, PolyPhen-2, Align-GVGD) all suggest that this variant is likely to be disruptive. In summary, the available evidence is currently insufficient to determine the role of this variant in disease. Therefore, it has been classified as a Variant of Uncertain Significance.

NM_014425.5(INVS):c.1774G>C (p.Ala592Pro)

Gene: INVS (inversin; plus strand). Cytogenetic location: 9q31.1.
Variant type: single nucleotide variant.
Coding change: c.1774G>C on transcript NM_014425.5 (MANE Select); coding-DNA position 1774, G replaced by C.
Protein change: p.Ala592Pro; replaces alanine 592 with proline.
Molecular consequence: missense variant. On other transcripts: non-coding transcript variant (1).
Genome position (GRCh38, 1-based): chr9:100,273,066, G>C. VCF-style: chr9-100273066-G-C. GRCh37 (hg19) VCF-style: chr9-103035348-G-C.
Other names: c.1486G>C, p.Ala496Pro (NM_001318381.2); c.796G>C, p.Ala266Pro (NM_001318382.2); c.1774G>C (NM_014425.2); short protein forms A496P, A592P, A266P.
Identifiers: ClinVar variation 1899868 (VCV001899868.6), dbSNP rs2490056235, ClinGen allele CA374238756.